The following is an entry in ClinVar:

NC_000013.11:g.(?_100301460)_(100425731_?)del

Genes: PCCA (propionyl-CoA carboxylase subunit alpha; plus strand), LOC112163638 (P300/CBP strongly-dependent group 1 enhancer GRCh37_chr13:101044561-101045760; plus strand), LOC124946329 (Sharpr-MPRA regulatory region 7114; plus strand). Cytogenetic location: 13q32.3.
Variant type: Deletion.
Identifiers: ClinVar variation 459933 (VCV000459933.1).

ClinVar aggregate classification (germline): Likely pathogenic (1 of 4 stars; one submission).

Conditions:
Propionic acidemia (PROP). Also called: GLYCINEMIA, KETOTIC; HYPERGLYCINEMIA WITH KETOACIDOSIS AND LEUKOPENIA; KETOTIC HYPERGLYCINEMIA. Identifiers: Orphanet 35, MedGen C0268579, MONDO:0011628, OMIM 606054, HP:0003571.

Submission:

Labcorp Genetics (formerly Invitae), Labcorp
Classification: Likely pathogenic for Propionic acidemia. Last evaluated: 2016-08-22. Review status: criteria provided, single submitter. Criteria: Invitae Variant Classification Sherloc (09022015). Collection method: clinical testing. Allele origin: germline.
Comment: This variant is a gross deletion of the genomic region encompassing exons 13-20 of the PCCA gene. This change leads to an in-frame deletion of 260 amino acids. Loss of function truncating variants in PCCA are known to be pathogenic (PMID: 15464417). This deletion is expected to impair protein function. However, the severity of impact has not been determined by functional studies. For these reasons, this variant has been classified as Likely Pathogenic.